The following is an entry in ClinVar:

ClinVar aggregate classification (germline): Uncertain significance (1 of 4 stars; one submission).

Conditions:
Autosomal dominant nocturnal frontal lobe epilepsy 5. Also called: KCNT1-Related Epilepsy; Epilepsy, nocturnal frontal lobe, 5; CILIARY DYSKINESIA, PRIMARY, 28, WITHOUT SITUS INVERSUS; CILIARY DYSKINESIA, PRIMARY, 28, WITH SITUS INVERSUS. Identifiers: Orphanet 98784, MedGen C3554306, MONDO:0014002, OMIM 615005.
Developmental and epileptic encephalopathy, 14 (DEE14). Also called: Early infantile epileptic encephalopathy 14. Identifiers: Orphanet 293181, MedGen C3554195, MONDO:0013989, OMIM 614959.

Allele frequency attached by ClinVar (database versions not stated): gnomAD exomes below 0.00001; TOPMed below 0.00001.

Submission:

Labcorp Genetics (formerly Invitae), Labcorp
Classification: Uncertain significance for Autosomal dominant nocturnal frontal lobe epilepsy 5; Developmental and epileptic encephalopathy, 14. Last evaluated: 2025-02-24. Review status: criteria provided, single submitter. Criteria: Invitae Variant Classification Sherloc (09022015). Collection method: clinical testing. Allele origin: germline.
Comment: This sequence change replaces proline, which is neutral and non-polar, with alanine, which is neutral and non-polar, at codon 546 of the KCNT1 protein (p.Pro546Ala). This variant is present in population databases (no rsID available, gnomAD 0.003%). This variant has not been reported in the literature in individuals affected with KCNT1-related conditions. ClinVar contains an entry for this variant (Variation ID: 1496760). Invitae Evidence Modeling of protein sequence and biophysical properties (such as structural, functional, and spatial information, amino acid conservation, physicochemical variation, residue mobility, and thermodynamic stability) indicates that this missense variant is not expected to disrupt KCNT1 protein function with a negative predictive value of 80%. In summary, the available evidence is currently insufficient to determine the role of this variant in disease. Therefore, it has been classified as a Variant of Uncertain Significance.

NM_020822.3(KCNT1):c.1636C>G (p.Pro546Ala)

Gene: KCNT1 (potassium sodium-activated channel subfamily T member 1; plus strand). Cytogenetic location: 9q34.3.
Variant type: single nucleotide variant.
Coding change: c.1636C>G on transcript NM_020822.3 (MANE Select); coding-DNA position 1636, C replaced by G.
Protein change: p.Pro546Ala; replaces proline 546 with alanine.
Molecular consequence: missense variant.
Genome position (GRCh38, 1-based): chr9:135,770,314, C>G. VCF-style: chr9-135770314-C-G. GRCh37 (hg19) VCF-style: chr9-138662160-C-G.
Other names: c.1501C>G, p.Pro501Ala (NM_001272003.2); short protein forms P546A, P501A.
Identifiers: ClinVar variation 1496760 (VCV001496760.8), dbSNP rs894604084, ClinGen allele CA375506142.